The following is an entry in ClinVar:

ClinVar aggregate classification (germline): Uncertain significance (1 of 4 stars; one submission).

gnomAD v4.1: 4 of 1,510,446 alleles (0.00026%); highest among the groups gnomAD compares: Non-Finnish European, 0.00035%; no homozygotes.

Submission:

Labcorp Genetics (formerly Invitae), Labcorp
Classification: Uncertain significance. Last evaluated: 2024-11-01. Review status: criteria provided, single submitter. Criteria: Invitae Variant Classification Sherloc (09022015). Collection method: clinical testing. Allele origin: germline.
Comment: This sequence change replaces arginine, which is basic and polar, with lysine, which is basic and polar, at codon 584 of the FAM20C protein (p.Arg584Lys). This variant is present in population databases (no rsID available, gnomAD 0.002%). This variant has not been reported in the literature in individuals affected with FAM20C-related conditions. An algorithm developed to predict the effect of missense changes on protein structure and function (PolyPhen-2) suggests that this variant is likely to be tolerated. In summary, the available evidence is currently insufficient to determine the role of this variant in disease. Therefore, it has been classified as a Variant of Uncertain Significance.

NM_020223.4(FAM20C):c.1751G>A (p.Arg584Lys)

Gene: FAM20C (FAM20C golgi associated secretory pathway kinase; plus strand). Cytogenetic location: 7p22.3.
Variant type: single nucleotide variant.
Coding change: c.1751G>A on transcript NM_020223.4 (MANE Select); coding-DNA position 1751, G replaced by A.
Protein change: p.Arg584Lys; replaces arginine 584 with lysine.
Molecular consequence: missense variant.
Genome position (GRCh38, 1-based): chr7:259,976, G>A. VCF-style: chr7-259976-G-A. GRCh37 (hg19) VCF-style: chr7-299942-G-A.
Other names: short protein forms R584K.
Identifiers: ClinVar variation 3676385 (VCV003676385.2).